The following is an entry in ClinVar:

ClinVar aggregate classification (germline): Likely benign. Review status: reviewed by expert panel (3 of 4 stars). 3 submissions from 3 submitters: Likely benign (1). 2 of the submissions do not count toward it. Last evaluated 2017-06-29.

Conditions:
Hereditary cancer-predisposing syndrome. Also called: Tumor predisposition; Hereditary Cancer Syndrome; Hereditary neoplastic syndrome; Neoplastic Syndromes, Hereditary. Identifiers: Orphanet 140162, MedGen C0027672, MeSH D009386, MONDO:0015356.
Hereditary breast ovarian cancer syndrome. Also called: Breast and ovarian cancer; Hereditary breast and ovarian cancer syndrome; Hereditary breast and ovarian cancer; BRCA1- and BRCA2-Associated Hereditary Breast and Ovarian Cancer; Hereditary breast and ovarian cancer syndrome (HBOC); Hereditary breast and/or ovarian cancer syndrome. Identifiers: Orphanet 145, MedGen C0677776, MeSH D061325, MONDO:0003582. Disease mechanism: loss of function.
Breast-ovarian cancer, familial, susceptibility to, 2 (BROVCA2). Also called: BRCA2 Hereditary Breast and Ovarian Cancer. Identifiers: Orphanet 145, MedGen C2675520, MONDO:0012933, OMIM 612555. Disease mechanism: loss of function.

Submissions (3):

Evidence-based Network for the Interpretation of Germline Mutant Alleles (ENIGMA)
Classification: Likely benign for Breast-ovarian cancer, familial, susceptibility to, 2. Last evaluated: 2017-06-29. Review status: reviewed by expert panel. Criteria: ENIGMA BRCA1/2 Classification Criteria (2017-06-29). Collection method: curation. Allele origin: germline.
Comment: Synonymous substitution variant, with low bioinformatic likelihood to result in a splicing aberration (Splicing prior probability 0.02).

Labcorp Genetics (formerly Invitae), Labcorp
Classification: Likely benign for Hereditary breast ovarian cancer syndrome. Last evaluated: 2022-04-09. Review status: criteria provided, single submitter. Criteria: Invitae Variant Classification Sherloc (09022015). Collection method: clinical testing. Allele origin: germline. Not counted in ClinVar's aggregate classification.

Ambry Genetics
Classification: Likely benign for Hereditary cancer-predisposing syndrome. Last evaluated: 2019-08-06. Review status: criteria provided, single submitter. Criteria: Ambry Variant Classification Scheme 2023. Collection method: clinical testing. Allele origin: germline. Not counted in ClinVar's aggregate classification.

NM_000059.4(BRCA2):c.8653T>C (p.Leu2885=)

Gene: BRCA2 (BRCA2 DNA repair associated; plus strand). Cytogenetic location: 13q13.1.
Variant type: single nucleotide variant.
Coding change: c.8653T>C on transcript NM_000059.4 (MANE Select); coding-DNA position 8653, T replaced by C.
Protein change: p.Leu2885=; no amino-acid change (leucine 2885 retained).
Molecular consequence: synonymous variant.
Genome position (GRCh38, 1-based): chr13:32,376,690, T>C. VCF-style: chr13-32376690-T-C. GRCh37 (hg19) VCF-style: chr13-32950827-T-C.
Identifiers: ClinVar variation 184653 (VCV000184653.16), dbSNP rs786201594, ClinGen allele CA025763.